The following is an entry in ClinVar:

ClinVar aggregate classification (germline): Uncertain significance. Review status: criteria provided, multiple submitters, no conflicts (2 of 4 stars). 2 submissions from 2 submitters: Uncertain significance (2). Last evaluated 2026-02-01.

gnomAD v4.1: 1 of 1,614,022 alleles (0.000062%); highest among the groups gnomAD compares: Non-Finnish European, 0.000085%; no homozygotes.

Submissions (2):

Labcorp Genetics (formerly Invitae), Labcorp
Classification: Uncertain significance. Last evaluated: 2026-02-01. Review status: criteria provided, single submitter. Criteria: Invitae Variant Classification Sherloc (09022015). Collection method: clinical testing. Allele origin: germline.
Comment: This sequence change replaces glycine, which is neutral and non-polar, with valine, which is neutral and non-polar, at codon 588 of the SRP72 protein (p.Gly588Val). This variant is present in population databases (rs761389556, gnomAD 0.0009%). This variant has not been reported in the literature in individuals affected with SRP72-related conditions. ClinVar contains an entry for this variant (Variation ID: 3694629). Invitae Evidence Modeling of protein sequence and biophysical properties (such as structural, functional, and spatial information, amino acid conservation, physicochemical variation, residue mobility, and thermodynamic stability) has been performed for this missense variant. However, the output from this modeling did not meet the statistical confidence thresholds required to predict the impact of this variant on SRP72 protein function. Algorithms developed to predict the effect of sequence changes on RNA splicing suggest that this variant may create or strengthen a splice site. In summary, the available evidence is currently insufficient to determine the role of this variant in disease. Therefore, it has been classified as a Variant of Uncertain Significance.

Ambry Genetics
Classification: Uncertain significance. Last evaluated: 2024-12-29. Review status: criteria provided, single submitter. Criteria: Ambry Variant Classification Scheme 2023. Collection method: clinical testing. Allele origin: germline.
Comment: The p.G588V variant (also known as c.1763G>T), located in coding exon 18 of the SRP72 gene, results from a G to T substitution at nucleotide position 1763. The glycine at codon 588 is replaced by valine, an amino acid with dissimilar properties. This amino acid position is conserved. In addition, this alteration is predicted to be deleterious by in silico analysis. Based on the available evidence, the clinical significance of this variant remains unclear.

NM_006947.4(SRP72):c.1763G>T (p.Gly588Val)

Gene: SRP72 (signal recognition particle 72; plus strand). Cytogenetic location: 4q12.
Variant type: single nucleotide variant.
Coding change: c.1763G>T on transcript NM_006947.4 (MANE Select); coding-DNA position 1763, G replaced by T.
Protein change: p.Gly588Val; replaces glycine 588 with valine.
Molecular consequence: missense variant. On other transcripts: non-coding transcript variant (1).
Genome position (GRCh38, 1-based): chr4:56,500,620, G>T. VCF-style: chr4-56500620-G-T. GRCh37 (hg19) VCF-style: chr4-57366786-G-T.
Other names: c.1580G>T, p.Gly527Val (NM_001267722.2); c.1763G>T (NM_006947.3); short protein forms G588V, G527V.
Identifiers: ClinVar variation 3694629 (VCV003694629.3).
Genomic context (GRCh38, chr4:56,500,620, plus strand): 5'-CAAAAGTTACCCCAGATCCAGAAAGATGGCTGCCAATGCGAGAACGTTCTTACTACCGGG[G>T]AAGAAAGAAGGGTAAAAAGAAGGATCAGATTGGAAAAGGGACCCAGGGAGCAACTGCAGG-3'
Protein context (NP_008878.3, residues 578-598): LPMRERSYYR[Gly588Val]RKKGKKKDQI